The following is an entry in ClinVar:

ClinVar aggregate classification (germline): Likely pathogenic (0 of 4 stars; one submission).

Conditions:
Neurodevelopmental disorder with cerebellar atrophy and motor dysfunction. Identifiers: MedGen C5543427, MONDO:0859152, OMIM 619333.

gnomAD v4.1: 1 of 1,612,496 alleles (0.000062%); no homozygotes.

Submission:

Department of Rehabilitation, Anhui Provincial Children's Hospital
Classification: Likely pathogenic for Neurodevelopmental disorder with cerebellar atrophy and motor dysfunction. Last evaluated: 2023-02-03. Review status: no assertion criteria provided. Collection method: clinical testing. Allele origin: paternal. Affected: yes.
Comment: The c.68del variant in the LINS1 gene is a frameshift mutation that may lead to premature termination of polypeptide synthesis, potentially disrupting gene function.

NM_015465.5(GEMIN5):c.754C>T (p.Arg252Ter)

Gene: GEMIN5 (gem nuclear organelle associated protein 5; minus strand). Cytogenetic location: 5q33.2.
Variant type: single nucleotide variant.
Coding change: c.754C>T on transcript NM_015465.5 (MANE Select); coding-DNA position 754, C replaced by T.
Protein change: p.Arg252Ter; replaces arginine 252 with a stop codon.
Molecular consequence: nonsense.
Genome position (GRCh38, 1-based): chr5:154,931,485, G>A on the plus strand (C>T on the coding strand, the complement: GEMIN5 is on the minus strand). VCF-style: chr5-154931485-G-A. GRCh37 (hg19) VCF-style: chr5-154311045-G-A.
Other names: c.751C>T, p.Arg251Ter (NM_001252156.2); short protein forms R251*, R252*.
Identifiers: ClinVar variation 3900667 (VCV003900667.1).